The following is an entry in ClinVar:

NM_015978.3(TNNI3K):c.1631G>A (p.Gly544Glu)

Genes: FPGT-TNNI3K (FPGT-TNNI3K readthrough; plus strand), TNNI3K (TNNI3 interacting kinase; plus strand). Cytogenetic location: 1p31.1.
Variant type: single nucleotide variant.
Coding change: c.1631G>A on transcript NM_015978.3 (MANE Select); coding-DNA position 1631, G replaced by A.
Protein change: p.Gly544Glu; replaces glycine 544 with glutamic acid.
Molecular consequence: missense variant.
Genome position (GRCh38, 1-based): chr1:74,369,549, G>A. VCF-style: chr1-74369549-G-A. GRCh37 (hg19) VCF-style: chr1-74835233-G-A.
Other names: c.1934G>A, p.Gly645Glu (NM_001112808.3, NM_001199327.2); short protein forms G645E, G544E.
Identifiers: ClinVar variation 1353170 (VCV001353170.6), dbSNP rs2100520855, ClinGen allele CA340786394.

ClinVar aggregate classification (germline): Uncertain significance (1 of 4 stars; one submission).

Submission:

Labcorp Genetics (formerly Invitae), Labcorp
Classification: Uncertain significance. Last evaluated: 2025-12-28. Review status: criteria provided, single submitter. Criteria: Invitae Variant Classification Sherloc (09022015). Collection method: clinical testing. Allele origin: germline.
Comment: This sequence change replaces glycine, which is neutral and non-polar, with glutamic acid, which is acidic and polar, at codon 544 of the TNNI3K protein (p.Gly544Glu). This variant is not present in population databases (gnomAD no frequency). This variant has not been reported in the literature in individuals affected with TNNI3K-related conditions. ClinVar contains an entry for this variant (Variation ID: 1353170). Invitae Evidence Modeling of protein sequence and biophysical properties (such as structural, functional, and spatial information, amino acid conservation, physicochemical variation, residue mobility, and thermodynamic stability) has been performed for this missense variant. However, the output from this modeling did not meet the statistical confidence thresholds required to predict the impact of this variant on TNNI3K protein function. In summary, the available evidence is currently insufficient to determine the role of this variant in disease. Therefore, it has been classified as a Variant of Uncertain Significance.